The following is an entry in ClinVar:

NM_001379291.1(BRD4):c.2989G>A (p.Val997Met)

Gene: BRD4 (bromodomain containing 4; minus strand). Cytogenetic location: 19p13.12.
Variant type: single nucleotide variant.
Coding change: c.2989G>A on transcript NM_001379291.1 (MANE Select); coding-DNA position 2989, G replaced by A.
Protein change: p.Val997Met; replaces valine 997 with methionine.
Molecular consequence: missense variant.
Genome position (GRCh38, 1-based): chr19:15,243,080, C>T on the plus strand (G>A on the coding strand, the complement: BRD4 is on the minus strand). VCF-style: chr19-15243080-C-T. GRCh37 (hg19) VCF-style: chr19-15353891-C-T.
Other names: c.2989G>A, p.Val997Met (NM_058243.3); short protein forms V997M.
Identifiers: ClinVar variation 4706792 (VCV004706792.1).

ClinVar aggregate classification (germline): Uncertain significance (1 of 4 stars; one submission).

gnomAD v4.1: 14 of 1,426,804 alleles (0.00098%); highest among the groups gnomAD compares: Middle Eastern, 0.025%; no homozygotes.

Submission:

Labcorp Genetics (formerly Invitae), Labcorp
Classification: Uncertain significance. Last evaluated: 2025-07-31. Review status: criteria provided, single submitter. Criteria: Invitae Variant Classification Sherloc (09022015). Collection method: clinical testing. Allele origin: germline.
Comment: This sequence change replaces valine, which is neutral and non-polar, with methionine, which is neutral and non-polar, at codon 997 of the BRD4 protein (p.Val997Met). The frequency data for this variant in the population databases is considered unreliable, as metrics indicate poor data quality at this position in the gnomAD database. This variant has not been reported in the literature in individuals affected with BRD4-related conditions. An algorithm developed to predict the effect of missense changes on protein structure and function outputs the following: PolyPhen-2: "Possibly Damaging". The methionine amino acid residue is found in multiple mammalian species, which suggests that this missense change does not adversely affect protein function. In summary, the available evidence is currently insufficient to determine the role of this variant in disease. Therefore, it has been classified as a Variant of Uncertain Significance.